The following is an entry in ClinVar:

ClinVar aggregate classification (germline): Pathogenic (1 of 4 stars; one submission).

Submission:

Athena Diagnostics
Classification: Pathogenic. Last evaluated: 2020-11-02. Review status: criteria provided, single submitter. Criteria: Athena Diagnostics Criteria. Collection method: clinical testing. Allele origin: unknown.
Comment: This variant is expected to result in the loss of a functional protein. This variant has not been reported in large, multi-ethnic general populations. This variant has been identified in at least one individual tested at Athena Diagnostics with clinical features associated with this gene.This observation is not an independent occurrence and has been identified in the same individual by RCIGM, the other laboratory participating in the GEMINI study.

NM_000292.3(PHKA2):c.1387C>T (p.Gln463Ter)

Gene: PHKA2 (phosphorylase kinase regulatory subunit alpha 2; minus strand). Cytogenetic location: Xp22.13.
Variant type: single nucleotide variant.
Coding change: c.1387C>T on transcript NM_000292.3 (MANE Select); coding-DNA position 1387, C replaced by T.
Protein change: p.Gln463Ter; replaces glutamine 463 with a stop codon.
Molecular consequence: nonsense.
Genome position (GRCh38, 1-based): chrX:18,926,525, G>A on the plus strand (C>T on the coding strand, the complement: PHKA2 is on the minus strand). VCF-style: chrX-18926525-G-A. GRCh37 (hg19) VCF-style: chrX-18944643-G-A.
Other names: short protein forms Q463*.
Identifiers: ClinVar variation 1809725 (VCV001809725.1), dbSNP rs2518701130, ClinGen allele CA412393785.